The following is an entry in ClinVar:

ClinVar aggregate classification (germline): Conflicting classifications of pathogenicity. Review status: criteria provided, conflicting classifications (1 of 4 stars). 2 submissions from 2 submitters: Uncertain significance (1); Likely benign (1). Last evaluated 2024-12-10.

Conditions:
Hereditary nonpolyposis colorectal neoplasms. Identifiers: MedGen C0009405, MeSH D003123.
Hereditary cancer-predisposing syndrome. Also called: Neoplastic Syndromes, Hereditary; Tumor predisposition; Hereditary Cancer Syndrome; Hereditary neoplastic syndrome. Identifiers: Orphanet 140162, MedGen C0027672, MeSH D009386, MONDO:0015356.

Submissions (2):

Labcorp Genetics (formerly Invitae), Labcorp
Classification: Uncertain significance for Hereditary nonpolyposis colorectal neoplasms. Last evaluated: 2024-12-10. Review status: criteria provided, single submitter. Criteria: Invitae Variant Classification Sherloc (09022015). Collection method: clinical testing. Allele origin: germline.
Comment: This sequence change replaces valine, which is neutral and non-polar, with isoleucine, which is neutral and non-polar, at codon 738 of the PMS2 protein (p.Val738Ile). The frequency data for this variant in the population databases (gnomAD) is considered unreliable due to the presence of homologous sequence, such as pseudogenes or paralogs, in the genome. This variant has not been reported in the literature in individuals affected with PMS2-related conditions. ClinVar contains an entry for this variant (Variation ID: 1787786). Invitae Evidence Modeling incorporating data from in vitro experimental studies (internal data) indicates that this missense variant is not expected to disrupt PMS2 function with a negative predictive value of 95%. In summary, the available evidence is currently insufficient to determine the role of this variant in disease. Therefore, it has been classified as a Variant of Uncertain Significance.

Ambry Genetics
Classification: Likely benign for Hereditary cancer-predisposing syndrome. Last evaluated: 2019-06-28. Review status: criteria provided, single submitter. Criteria: Ambry Variant Classification Scheme 2023. Collection method: clinical testing. Allele origin: germline.

NM_000535.7(PMS2):c.2212G>A (p.Val738Ile)

Gene: PMS2 (PMS1 homolog 2, mismatch repair system component; minus strand). Cytogenetic location: 7p22.1.
Variant type: single nucleotide variant.
Coding change: c.2212G>A on transcript NM_000535.7 (MANE Select); coding-DNA position 2212, G replaced by A.
Protein change: p.Val738Ile; replaces valine 738 with isoleucine.
Molecular consequence: missense variant. On other transcripts: non-coding transcript variant (1).
Genome position (GRCh38, 1-based): chr7:5,978,659, C>T on the plus strand (G>A on the coding strand, the complement: PMS2 is on the minus strand). VCF-style: chr7-5978659-C-T. GRCh37 (hg19) VCF-style: chr7-6018290-C-T.
Other names: c.1903G>A, p.Val635Ile (NM_001406881.1, NM_001406882.1, NM_001322015.2 and 5 more transcripts); c.1894G>A, p.Val632Ile (NM_001406883.1, NM_001322007.2, NM_001322008.2 and 1 more transcripts); c.1888G>A, p.Val630Ile (NM_001406884.1); c.1876G>A, p.Val626Ile (NM_001406885.1); c.1846G>A, p.Val616Ile (NM_001406886.1); c.1807G>A, p.Val603Ile (NM_001406887.1, NM_001406888.1, NM_001406889.1 and 15 more transcripts); c.1747G>A, p.Val583Ile (NM_001406900.1); c.1738G>A, p.Val580Ile (NM_001406901.1, NM_001406902.1); and 14 more; short protein forms V567I, V580I, V603I, V672I, V746I, V427I, V583I, V632I.
Identifiers: ClinVar variation 1787786 (VCV001787786.4), dbSNP rs758225108, ClinGen allele CA366736792.
Genomic context (GRCh38, chr7:5,978,659, plus strand): 5'-TTTCATCGATAACAAAATCAAAGCCATTCTTTCTAAATATTTCCAGATTTTCTATCAGAA[C>T]AGCTTCATTAACAGCAGTTAAGTTGAGAGTCTGAGGTCTGAAAAACACAAAAATGATTCA-3'
Protein context (NP_000526.2, residues 728-748): TLNLTAVNEA[Val738Ile]LIENLEIFRK